The following is an entry in ClinVar:

NM_001953.5(TYMP):c.1160G>A (p.Gly387Asp)

Genes: SCO2 (synthesis of cytochrome C oxidase 2; minus strand), TYMP (thymidine phosphorylase; minus strand), LOC130067862 (ATAC-STARR-seq lymphoblastoid silent region 13986; plus strand). Cytogenetic location: 22q13.33.
Variant type: single nucleotide variant.
Coding change: c.1160G>A on transcript NM_001953.5 (MANE Select); coding-DNA position 1160, G replaced by A.
Protein change: p.Gly387Asp; replaces glycine 387 with aspartic acid.
Molecular consequence: missense variant. On other transcripts: 5 prime UTR variant (1), intron variant (1).
Genome position (GRCh38, 1-based): chr22:50,526,141, C>T on the plus strand (G>A on the coding strand, the complement: TYMP is on the minus strand). VCF-style: chr22-50526141-C-T. GRCh37 (hg19) VCF-style: chr22-50964570-C-T.
Other names: Gly>Asp; c.1160G>A, p.Gly387Asp (NM_001113755.3, NM_001113756.3, NM_001257988.1); c.1175G>A, p.Gly392Asp (NM_001257989.1); c.-154G>A (NM_001169110.1); c.-14+105G>A (NM_001169109.2); short protein forms G387D, G392D.
Identifiers: ClinVar variation 223054 (VCV000223054.5), dbSNP rs1064792873, ClinGen allele CA16616796.

ClinVar aggregate classification (germline): Conflicting classifications of pathogenicity. Review status: criteria provided, conflicting classifications (1 of 4 stars). 3 submissions from 3 submitters: Likely pathogenic (1); Uncertain significance (1). 1 of the submissions does not count toward it. Last evaluated 2024-01-25.

Conditions:
Mitochondrial DNA depletion syndrome 1. Also called: Mitochondrial neurogastrointestinal encephalomyopathy syndrome; POLIP SYNDROME; POLYNEUROPATHY, OPHTHALMOPLEGIA, LEUKOENCEPHALOPATHY, AND INTESTINAL PSEUDOOBSTRUCTION; Mitochondrial DNA Depletion Syndrome, MNGIE Form; Mitochondrial Neurogastrointestinal Encephalopathy Disease; MITOCHONDRIAL NEUROGASTROINTESTINAL ENCEPHALOPATHY SYNDROME, TYMP-RELATED. Identifiers: Orphanet 298, MedGen C4551995, MONDO:0011283, OMIM 603041.

gnomAD v4.1: 3 of 1,484,002 alleles (0.0002%); highest among the groups gnomAD compares: Non-Finnish European, 0.00027%; no homozygotes.

Submissions (3):

Baylor Genetics
Classification: Likely pathogenic for Mitochondrial DNA depletion syndrome 1. Last evaluated: 2024-01-25. Review status: criteria provided, single submitter. Criteria: ACMG Guidelines, 2015. Collection method: clinical testing. Allele origin: unknown.

Women's Health and Genetics/Laboratory Corporation of America, LabCorp
Classification: Uncertain significance. Last evaluated: 2023-05-02. Review status: criteria provided, single submitter. Criteria: LabCorp Variant Classification Summary - May 2015. Collection method: clinical testing. Allele origin: germline.
Comment: Variant summary: TYMP c.1160G>A (p.Gly387Asp) results in a non-conservative amino acid change in the encoded protein sequence. Five of five in-silico tools predict a damaging effect of the variant on protein function. 4/4 computational tools predict no significant impact on normal splicing. However, these predictions have yet to be confirmed by functional studies. The variant was absent in 113350 control chromosomes (gnomAD). c.1160G>A has been reported in the literature as a biallelic genotype in individuals affected with Mitochondrial DNA Depletion Syndrome 1 (MNGIE type, Slama_2005, DaRe_2013). These data indicate that the variant may be associated with disease. To our knowledge, no experimental evidence demonstrating an impact on protein function has been reported. The following publications have been ascertained in the context of this evaluation (PMID: 24215330, 15781193). One ClinVar submitter has assessed the variant since 2014: the variant was classified as pathogenic. Based on the evidence outlined above, the variant was classified as VUS-possibly pathogenic.

GeneReviews
Classification: Pathogenic for Mitochondrial DNA depletion syndrome 1. Last evaluated: 2016-01-14. Review status: no assertion criteria provided. Collection method: literature only. Allele origin: germline. Affected: yes. Not counted in ClinVar's aggregate classification.

Literature cited by the submitters: PubMed 24215330 (cited by Women's Health and Genetics/Laboratory Corporation of America, LabCorp); PubMed 15781193 (cited by Women's Health and Genetics/Laboratory Corporation of America, LabCorp and GeneReviews).